The following is an entry in ClinVar:

ClinVar aggregate classification (germline): Uncertain significance. Review status: criteria provided, multiple submitters, no conflicts (2 of 4 stars). 2 submissions from 2 submitters: Uncertain significance (2). Last evaluated 2025-04-12.

Conditions:
Hypercholesterolemia, autosomal dominant, 3 (FHCL3). Also called: Familial Hypercholesterolemia, Autosomal Dominant, 3; PCSK9-Related Familial Hypercholesterolemia, Autosomal Dominant; Familial hypercholesterolemia 3. Identifiers: MedGen C1863551, MONDO:0011369, OMIM 603776.
Cardiovascular phenotype. Identifiers: MedGen CN230736.

gnomAD v4.1: 1 of 1,613,830 alleles (0.000062%); highest among the groups gnomAD compares: African/African-American, 0.0013%; no homozygotes.

Submissions (2):

Ambry Genetics
Classification: Uncertain significance for Cardiovascular phenotype. Last evaluated: 2025-04-12. Review status: criteria provided, single submitter. Criteria: Ambry Variant Classification Scheme 2023. Collection method: clinical testing. Allele origin: germline.
Comment: The p.P639R variant (also known as c.1916C>G), located in coding exon 12 of the PCSK9 gene, results from a C to G substitution at nucleotide position 1916. The proline at codon 639 is replaced by arginine, an amino acid with dissimilar properties. This amino acid position is conserved. In addition, this alteration is predicted to be tolerated by in silico analysis. Based on the available evidence, the clinical significance of this variant remains unclear.

All of Us Research Program, National Institutes of Health
Classification: Uncertain significance for Hypercholesterolemia, autosomal dominant, 3. Last evaluated: 2023-12-01. Review status: criteria provided, single submitter. Criteria: ACMG Guidelines, 2015. Collection method: clinical testing. Allele origin: germline. Inheritance: Autosomal dominant inheritance. Observed: 2 variant alleles, 2 heterozygotes.
Comment: This missense variant replaces proline with arginine at codon 639 of the PCSK9 protein. Computational prediction suggests that this variant may not impact protein structure and function (internally defined REVEL score threshold <= 0.5, PMID: 27666373). To our knowledge, functional studies have not been reported for this variant. This variant has not been reported in individuals affected with PCSK9-related disorders in the literature. This variant has not been identified in the general population by the Genome Aggregation Database (gnomAD). The available evidence is insufficient to determine the role of this variant in disease conclusively. Therefore, this variant is classified as a Variant of Uncertain Significance.

This study involves interpretation of variants in research participants for the purpose of population health screening. Participant phenotype was not available at the time of variant classification. Additional details can be found in publication PMID: 35346344, PMCID: PMC8962531

NM_174936.4(PCSK9):c.1916C>G (p.Pro639Arg)

Gene: PCSK9 (proprotein convertase subtilisin/kexin type 9; plus strand). Cytogenetic location: 1p32.3.
Variant type: single nucleotide variant.
Coding change: c.1916C>G on transcript NM_174936.4 (MANE Select); coding-DNA position 1916, C replaced by G.
Protein change: p.Pro639Arg; replaces proline 639 with arginine.
Molecular consequence: missense variant. On other transcripts: non-coding transcript variant (8).
Genome position (GRCh38, 1-based): chr1:55,063,421, C>G. VCF-style: chr1-55063421-C-G. GRCh37 (hg19) VCF-style: chr1-55529094-C-G.
Other names: c.2039C>G, p.Pro680Arg (NM_001407240.1); c.1958C>G, p.Pro653Arg (NM_001407241.1); c.1919C>G, p.Pro640Arg (NM_001407242.1); c.1859C>G, p.Pro620Arg (NM_001407243.1); c.1742C>G, p.Pro581Arg (NM_001407244.1); c.1724C>G, p.Pro575Arg (NM_001407245.1); c.1541C>G, p.Pro514Arg (NM_001407246.1); c.1415C>G, p.Pro472Arg (NM_001407247.1); short protein forms P472R, P514R, P575R, P581R, P620R, P639R, P640R, P653R.
Identifiers: ClinVar variation 3070977 (VCV003070977.3), dbSNP rs1295327841, ClinGen allele CA340480652.